The following is an entry in ClinVar:

NM_021922.3(FANCE):c.298T>A (p.Ser100Thr)

Gene: FANCE (FA complementation group E; plus strand). Cytogenetic location: 6p21.31.
Variant type: single nucleotide variant.
Coding change: c.298T>A on transcript NM_021922.3 (MANE Select); coding-DNA position 298, T replaced by A.
Protein change: p.Ser100Thr; replaces serine 100 with threonine.
Molecular consequence: missense variant.
Genome position (GRCh38, 1-based): chr6:35,455,796, T>A. VCF-style: chr6-35455796-T-A. GRCh37 (hg19) VCF-style: chr6-35423573-T-A.
Other names: short protein forms S100T.
Identifiers: ClinVar variation 471927 (VCV000471927.14), dbSNP rs768911543, ClinGen allele CA3771375.

ClinVar aggregate classification (germline): Uncertain significance. Review status: criteria provided, multiple submitters, no conflicts (2 of 4 stars). 6 submissions from 6 submitters: Uncertain significance (6). Last evaluated 2025-01-20.

Conditions:
Fanconi anemia (FA). Also called: Fanconi's anemia. Identifiers: Orphanet 84, MedGen C0015625, MeSH D005199, MONDO:0019391.
Fanconi anemia complementation group E (FANCE). Also called: FANCE-Related Fanconi Anemia. Identifiers: Orphanet 84, MedGen C3160739, MONDO:0010953, OMIM 600901.

Allele frequency attached by ClinVar (database versions not stated): gnomAD 0.00005; ExAC 0.00007; TOPMed 0.00009; gnomAD exomes 0.00014.
gnomAD v4.1: 74 of 1,614,048 alleles (0.0046%); highest among the groups gnomAD compares: Admixed American, 0.055%; no homozygotes.

Submissions (6):

Labcorp Genetics (formerly Invitae), Labcorp
Classification: Uncertain significance for Fanconi anemia complementation group E. Last evaluated: 2025-01-20. Review status: criteria provided, single submitter. Criteria: Invitae Variant Classification Sherloc (09022015). Collection method: clinical testing. Allele origin: germline.
Comment: This sequence change replaces serine, which is neutral and polar, with threonine, which is neutral and polar, at codon 100 of the FANCE protein (p.Ser100Thr). This variant is present in population databases (rs768911543, gnomAD 0.07%). This variant has not been reported in the literature in individuals affected with FANCE-related conditions. ClinVar contains an entry for this variant (Variation ID: 471927). Invitae Evidence Modeling of protein sequence and biophysical properties (such as structural, functional, and spatial information, amino acid conservation, physicochemical variation, residue mobility, and thermodynamic stability) indicates that this missense variant is not expected to disrupt FANCE protein function with a negative predictive value of 80%. In summary, the available evidence is currently insufficient to determine the role of this variant in disease. Therefore, it has been classified as a Variant of Uncertain Significance.

Blueprint Genetics
Classification: Uncertain significance. Last evaluated: 2024-08-19. Review status: criteria provided, single submitter. Criteria: ACMG Guidelines, 2015. Collection method: clinical testing. Allele origin: germline.

Fulgent Genetics
Classification: Uncertain significance for Fanconi anemia complementation group E. Last evaluated: 2022-03-26. Review status: criteria provided, single submitter. Criteria: ACMG Guidelines, 2015. Collection method: clinical testing. Allele origin: unknown.

Sema4
Classification: Uncertain significance for Fanconi anemia. Last evaluated: 2021-10-08. Review status: criteria provided, single submitter. Criteria: Sema4 Curation Guidelines. Collection method: curation. Allele origin: germline.
Comment: The FANCE c.298T>A (p.S100T) variant has not been reported in the literature to our knowledge. It was observed in 25/34592 chromosomes of the Latino subpopulation, with no homozygotes, in the large and broad cohorts of the Genome Aggregation Database (PMID: 32461654). The variant has been reported in ClinVar (Variation ID: 471927). In silico tools suggest the impact of the variant on protein function is benign, though these predictions have not been confirmed by functional studies. The evidence is insufficient to meet ACMG/AMP criteria for classifying the variant as benign or pathogenic. Thus, the clinical significance of this variant is currently uncertain.

Genetic Services Laboratory, University of Chicago
Classification: Uncertain significance. Last evaluated: 2019-04-04. Review status: criteria provided, single submitter. Criteria: ACMG Guidelines, 2015. Collection method: clinical testing. Allele origin: germline. Affected: no.

Breakthrough Genomics
Classification: Uncertain significance. Review status: criteria provided, single submitter. Criteria: ACMG Guidelines, 2015. Collection method: not provided. Allele origin: germline. Inheritance: Autosomal recessive inheritance. Affected: yes.